The following is an entry in ClinVar:

NM_004519.4(KCNQ3):c.2330G>C (p.Arg777Pro)

Gene: KCNQ3 (potassium voltage-gated channel subfamily Q member 3; minus strand). Cytogenetic location: 8q24.22.
Variant type: single nucleotide variant.
Coding change: c.2330G>C on transcript NM_004519.4 (MANE Select); coding-DNA position 2330, G replaced by C.
Protein change: p.Arg777Pro; replaces arginine 777 with proline.
Molecular consequence: missense variant.
Genome position (GRCh38, 1-based): chr8:132,129,551, C>G on the plus strand (G>C on the coding strand, the complement: KCNQ3 is on the minus strand). VCF-style: chr8-132129551-C-G. GRCh37 (hg19) VCF-style: chr8-133141798-C-G.
Other names: c.1970G>C, p.Arg657Pro (NM_001204824.2); short protein forms R657P, R777P.
Identifiers: ClinVar variation 4802762 (VCV004802762.1).

ClinVar aggregate classification (germline): Uncertain significance (1 of 4 stars; one submission).

Conditions:
Benign neonatal seizures. Also called: Benign familial neonatal seizures; Benign familial neonatal epilepsy; Convulsions benign familial neonatal dominant form; Autosomal dominant form of benign neonatal seizures; Benign neonatal familial convulsions. Identifiers: Orphanet 1949, MedGen C0220669, MONDO:0016027.

gnomAD v4.1: 1 of 1,614,120 alleles (0.000062%); highest among the groups gnomAD compares: Non-Finnish European, 0.000085%; no homozygotes.

Submission:

Labcorp Genetics (formerly Invitae), Labcorp
Classification: Uncertain significance for Benign neonatal seizures. Last evaluated: 2025-11-10. Review status: criteria provided, single submitter. Criteria: Invitae Variant Classification Sherloc (09022015). Collection method: clinical testing. Allele origin: germline.
Comment: This sequence change replaces arginine, which is basic and polar, with proline, which is neutral and non-polar, at codon 777 of the KCNQ3 protein (p.Arg777Pro). This variant is not present in population databases (gnomAD no frequency). This variant has not been reported in the literature in individuals affected with KCNQ3-related conditions. Invitae Evidence Modeling of protein sequence and biophysical properties (such as structural, functional, and spatial information, amino acid conservation, physicochemical variation, residue mobility, and thermodynamic stability) indicates that this missense variant is not expected to disrupt KCNQ3 protein function with a negative predictive value of 95%. In summary, the available evidence is currently insufficient to determine the role of this variant in disease. Therefore, it has been classified as a Variant of Uncertain Significance.